The following is an entry in ClinVar:

NM_024735.5(FBXO31):c.1455C>T (p.Pro485=)

Gene: FBXO31 (F-box protein 31; minus strand). Cytogenetic location: 16q24.2.
Variant type: single nucleotide variant.
Coding change: c.1455C>T on transcript NM_024735.5 (MANE Select); coding-DNA position 1455, C replaced by T.
Protein change: p.Pro485=; no amino-acid change (proline 485 retained).
Molecular consequence: synonymous variant.
Genome position (GRCh38, 1-based): chr16:87,331,453, G>A on the plus strand (C>T on the coding strand, the complement: FBXO31 is on the minus strand). VCF-style: chr16-87331453-G-A. GRCh37 (hg19) VCF-style: chr16-87365059-G-A.
Other names: c.939C>T, p.Pro313= (NM_001282683.2).
Identifiers: ClinVar variation 2646951 (VCV002646951.24), dbSNP rs754970927, ClinGen allele CA8218889.

ClinVar aggregate classification (germline): Likely benign (1 of 4 stars; one submission).

Allele frequency attached by ClinVar (database versions not stated): ExAC 0.00001; gnomAD 0.00002; TOPMed 0.00003.
gnomAD v4.1: 15 of 1,613,424 alleles (0.00093%); highest among the groups gnomAD compares: South Asian, 0.0033%; no homozygotes.

Submission:

CeGaT Center for Human Genetics Tuebingen
Classification: Likely benign. Last evaluated: 2022-11-01. Review status: criteria provided, single submitter. Criteria: CeGaT Center For Human Genetics Tuebingen Variant Classification Criteria Version 2. Collection method: clinical testing. Allele origin: germline. Affected: yes. Observed: 1 variant allele.
Comment: FBXO31: BP4, BP7